The following is an entry in ClinVar:

ClinVar aggregate classification (germline): Pathogenic (1 of 4 stars; one submission).

Submission:

Labcorp Genetics (formerly Invitae), Labcorp
Classification: Pathogenic. Last evaluated: 2024-02-24. Review status: criteria provided, single submitter. Criteria: Invitae Variant Classification Sherloc (09022015). Collection method: clinical testing. Allele origin: germline.
Comment: This sequence change creates a premature translational stop signal (p.Ser77Alafs*26) in the PAX1 gene. It is expected to result in an absent or disrupted protein product. Loss-of-function variants in PAX1 are known to be pathogenic (PMID: 1889089, 23851939, 28657137, 29681087). This variant is not present in population databases (gnomAD no frequency). This variant has not been reported in the literature in individuals affected with PAX1-related conditions. ClinVar contains an entry for this variant (Variation ID: 2000543). For these reasons, this variant has been classified as Pathogenic.

Literature cited by the submitters: PubMed 1889089; PubMed 23851939; PubMed 28657137; PubMed 29681087.

NM_001257096.2(PAX1):c.225del (p.Ser77fs)

Gene: PAX1 (paired box 1; plus strand). Cytogenetic location: 20p11.22.
Variant type: Deletion.
Coding change: c.225del on transcript NM_001257096.2 (MANE Select); coding-DNA position 225, one base deleted (G; older notation c.225delG).
Protein change: p.Ser77fs; shifts the reading frame from serine 77.
Molecular consequence: frameshift variant.
Genome position (GRCh38, 1-based): chr20:21,705,937, G deleted; the last of 3 consecutive G bases (chr20:21,705,935-21,705,937); deleting any one gives the same sequence. VCF-style (leftmost placement, unchanged base first): chr20-21705934-CG-C. GRCh37 (hg19) VCF-style: chr20-21686572-CG-C.
Other names: c.225del, p.Ser77fs (NM_006192.5); short protein forms S77fs.
Identifiers: ClinVar variation 2000543 (VCV002000543.4), dbSNP rs2514799744, ClinGen allele CA2580098046.